The following is an entry in ClinVar:

NM_000222.3(KIT):c.1856C>T (p.Thr619Ile)

Gene: KIT (KIT proto-oncogene, receptor tyrosine kinase; plus strand). Cytogenetic location: 4q12.
Variant type: single nucleotide variant.
Coding change: c.1856C>T on transcript NM_000222.3 (MANE Select); coding-DNA position 1856, C replaced by T.
Protein change: p.Thr619Ile; replaces threonine 619 with isoleucine.
Molecular consequence: missense variant.
Genome position (GRCh38, 1-based): chr4:54,727,904, C>T. VCF-style: chr4-54727904-C-T. GRCh37 (hg19) VCF-style: chr4-55594070-C-T.
Other names: c.1844C>T, p.Thr615Ile (NM_001093772.2, NM_001385286.1); c.1859C>T, p.Thr620Ile (NM_001385284.1, NM_001385290.1); c.1856C>T, p.Thr619Ile (NM_001385285.1); c.1847C>T, p.Thr616Ile (NM_001385288.1, NM_001385292.1); short protein forms T615I, T619I, T616I, T620I.
Identifiers: ClinVar variation 860833 (VCV000860833.11), dbSNP rs1294929758, ClinGen allele CA356908182.

ClinVar aggregate classification (germline): Uncertain significance. Review status: criteria provided, multiple submitters, no conflicts (2 of 4 stars). 2 submissions from 2 submitters: Uncertain significance (2). Last evaluated 2026-07-20.

Conditions:
Gastrointestinal stromal tumor. Also called: Gastrointestinal stroma tumor; Gastrointestinal stromal tumor, somatic. Identifiers: Orphanet 44890, MedGen C0238198, MeSH D046152, MONDO:0011719, OMIM 606764, HP:0100723.
Hereditary cancer-predisposing syndrome. Also called: Tumor predisposition; Hereditary neoplastic syndrome; Neoplastic Syndromes, Hereditary; Hereditary Cancer Syndrome. Identifiers: Orphanet 140162, MedGen C0027672, MeSH D009386, MONDO:0015356.

Allele frequency attached by ClinVar (database versions not stated): gnomAD exomes below 0.00001; TOPMed 0.00001.
gnomAD v4.1: 2 of 1,614,088 alleles (0.00012%); highest among the groups gnomAD compares: Non-Finnish European, 0.00017%; no homozygotes.

Submissions (2):

Ambry Genetics
Classification: Uncertain significance for Hereditary cancer-predisposing syndrome. Last evaluated: 2026-07-20. Review status: criteria provided, single submitter. Criteria: Ambry Variant Classification Scheme 2023. Collection method: clinical testing. Allele origin: germline.
Comment: The p.T619I variant (also known as c.1856C>T), located in coding exon 12 of the KIT gene, results from a C to T substitution at nucleotide position 1856. The threonine at codon 619 is replaced by isoleucine, an amino acid with similar properties. This amino acid position is conserved. In addition, the in silico prediction for this alteration is inconclusive. Based on the available evidence, the clinical significance of this variant remains unclear.

Labcorp Genetics (formerly Invitae), Labcorp
Classification: Uncertain significance for Gastrointestinal stromal tumor. Last evaluated: 2025-05-01. Review status: criteria provided, single submitter. Criteria: Invitae Variant Classification Sherloc (09022015). Collection method: clinical testing. Allele origin: germline.
Comment: This sequence change replaces threonine, which is neutral and polar, with isoleucine, which is neutral and non-polar, at codon 619 of the KIT protein (p.Thr619Ile). This variant is present in population databases (no rsID available, gnomAD 0.0009%). This variant has not been reported in the literature in individuals affected with KIT-related conditions. ClinVar contains an entry for this variant (Variation ID: 860833). An algorithm developed to predict the effect of missense changes on protein structure and function (PolyPhen-2) suggests that this variant is likely to be disruptive. In summary, the available evidence is currently insufficient to determine the role of this variant in disease. Therefore, it has been classified as a Variant of Uncertain Significance.